The following is an entry in ClinVar:

NM_000388.4(CASR):c.1510G>A (p.Val504Met)

Gene: CASR (calcium sensing receptor; plus strand). Cytogenetic location: 3q21.1.
Variant type: single nucleotide variant.
Coding change: c.1510G>A on transcript NM_000388.4 (MANE Select); coding-DNA position 1510, G replaced by A.
Protein change: p.Val504Met; replaces valine 504 with methionine.
Molecular consequence: missense variant.
Genome position (GRCh38, 1-based): chr3:122,275,944, G>A. VCF-style: chr3-122275944-G-A. GRCh37 (hg19) VCF-style: chr3-121994791-G-A.
Other names: c.1510G>A, p.Val504Met (NM_001178065.2); short protein forms V504M.
Identifiers: ClinVar variation 463906 (VCV000463906.18), dbSNP rs201536450, ClinGen allele CA2569670.

ClinVar aggregate classification (germline): Conflicting classifications of pathogenicity. Review status: criteria provided, conflicting classifications (1 of 4 stars). 7 submissions from 7 submitters: Uncertain significance (5); Likely benign (2). Last evaluated 2025-03-04.

Conditions:
Epilepsy, idiopathic generalized, susceptibility to, 8. Identifiers: MedGen C2752062, MONDO:0013032, OMIM 612899.
Autosomal dominant hypocalcemia 1 (HYPOC1). Also called: HYPOCALCEMIA, FAMILIAL. Identifiers: MedGen C3715128, MONDO:0011013, OMIM 601198.
Familial hypocalciuric hypercalcemia 1. Also called: Hypercalcemia, familial benign type 1. Identifiers: Orphanet 405, Orphanet 93372, MedGen C0342637, MONDO:0007791, OMIM 145980.
Neonatal severe primary hyperparathyroidism. Identifiers: Orphanet 417, MedGen C1832615, MONDO:0009397, OMIM 239200.
Familial hypocalciuric hypercalcemia (FHH). Also called: Familial benign hypercalcemia. Identifiers: Orphanet 405, MedGen C1809471, MONDO:0018458.
Nephrolithiasis/nephrocalcinosis. Identifiers: MedGen CN580796.

Allele frequency attached by ClinVar (database versions not stated): ExAC 0.00004; gnomAD exomes 0.00004; TOPMed 0.00004; gnomAD 0.00009.

Submissions (7):

Center for Genomic Medicine, Rigshospitalet, Copenhagen University Hospital
Classification: Uncertain significance. Last evaluated: 2025-03-04. Review status: criteria provided, single submitter. Criteria: ACMG Guidelines, 2015. Collection method: clinical testing. Allele origin: germline.

Labcorp Genetics (formerly Invitae), Labcorp
Classification: Likely benign for Familial hypocalciuric hypercalcemia; Autosomal dominant hypocalcemia 1. Last evaluated: 2024-05-06. Review status: criteria provided, single submitter. Criteria: Invitae Variant Classification Sherloc (09022015). Collection method: clinical testing. Allele origin: germline.

Fulgent Genetics
Classification: Uncertain significance for Familial hypocalciuric hypercalcemia 1; Neonatal severe primary hyperparathyroidism; Autosomal dominant hypocalcemia 1; Epilepsy, idiopathic generalized, susceptibility to, 8. Last evaluated: 2024-02-16. Review status: criteria provided, single submitter. Criteria: ACMG Guidelines, 2015. Collection method: clinical testing. Allele origin: germline.

Women's Health and Genetics/Laboratory Corporation of America, LabCorp
Classification: Uncertain significance. Last evaluated: 2024-01-02. Review status: criteria provided, single submitter. Criteria: LabCorp Variant Classification Summary - May 2015. Collection method: clinical testing. Allele origin: germline.
Comment: Variant summary: CASR c.1510G>A (p.Val504Met) results in a conservative amino acid change in the encoded protein sequence. Four of five in-silico tools predict a benign effect of the variant on protein function. The variant allele was found at a frequency of 3.6e-05 in 251470 control chromosomes. The available data on variant occurrences in the general population are insufficient to allow any conclusion about variant significance. c.1510G>A has been reported in the literature in individuals affected with hypocalciuric hypercalcaemia type 1 (examples, Mouly_2020, Vargas-Poussou_2016). These report(s) do not provide unequivocal conclusions about association of the variant with Autosomal Dominant Hypocalcemia. To our knowledge, no experimental evidence demonstrating an impact on protein function has been reported.The following publications have been ascertained in the context of this evaluation (PMID: 32347971, 26963950). Three submitters have cited clinical-significance assessments for this variant to ClinVar after 2014 (VUS, n=2; Likely benign, n=1). Based on the evidence outlined above, the variant was classified as uncertain significance.

Ambry Genetics
Classification: Likely benign for Nephrolithiasis/nephrocalcinosis. Last evaluated: 2022-04-27. Review status: criteria provided, single submitter. Criteria: Ambry Variant Classification Scheme 2023. Collection method: clinical testing. Allele origin: germline.

Blueprint Genetics
Classification: Uncertain significance. Last evaluated: 2021-04-19. Review status: criteria provided, single submitter. Criteria: ACMG Guidelines, 2015. Collection method: clinical testing. Allele origin: germline.

Department of Pathology and Laboratory Medicine, Sinai Health System
Classification: Uncertain significance for autosomal dominant hypocalcemia 1. Last evaluated: 2020-06-18. Review status: criteria provided, single submitter. Criteria: ACMG Guidelines, 2015. Collection method: research. Allele origin: germline.

Literature cited by the submitters: PubMed 26963950 (cited by Women's Health and Genetics/Laboratory Corporation of America, LabCorp and Ambry Genetics); PubMed 32347971 (cited by Women's Health and Genetics/Laboratory Corporation of America, LabCorp).